The following is an entry in ClinVar:

ClinVar aggregate classification (germline): Uncertain significance (1 of 4 stars; one submission).

gnomAD v4.1: 10 of 1,612,766 alleles (0.00062%); highest among the groups gnomAD compares: South Asian, 0.0011%; no homozygotes.

Submission:

Labcorp Genetics (formerly Invitae), Labcorp
Classification: Uncertain significance. Last evaluated: 2024-02-11. Review status: criteria provided, single submitter. Criteria: Invitae Variant Classification Sherloc (09022015). Collection method: clinical testing. Allele origin: germline.
Comment: This sequence change replaces isoleucine, which is neutral and non-polar, with valine, which is neutral and non-polar, at codon 901 of the SAMD9L protein (p.Ile901Val). This variant is present in population databases (rs759591223, gnomAD 0.0009%). This variant has not been reported in the literature in individuals affected with SAMD9L-related conditions. Advanced modeling of protein sequence and biophysical properties (such as structural, functional, and spatial information, amino acid conservation, physicochemical variation, residue mobility, and thermodynamic stability) performed at Invitae indicates that this missense variant is not expected to disrupt SAMD9L protein function with a negative predictive value of 80%. In summary, the available evidence is currently insufficient to determine the role of this variant in disease. Therefore, it has been classified as a Variant of Uncertain Significance.

NM_152703.5(SAMD9L):c.2701A>G (p.Ile901Val)

Gene: SAMD9L (sterile alpha motif domain containing 9 like; minus strand). Cytogenetic location: 7q21.2.
Variant type: single nucleotide variant.
Coding change: c.2701A>G on transcript NM_152703.5 (MANE Select); coding-DNA position 2701, A replaced by G.
Protein change: p.Ile901Val; replaces isoleucine 901 with valine.
Molecular consequence: missense variant.
Genome position (GRCh38, 1-based): chr7:93,133,271, T>C on the plus strand (A>G on the coding strand, the complement: SAMD9L is on the minus strand). VCF-style: chr7-93133271-T-C. GRCh37 (hg19) VCF-style: chr7-92762584-T-C.
Other names: c.2701A>G, p.Ile901Val (NM_001303496.3, NM_001303497.3, NM_001303498.3 and 5 more transcripts); short protein forms I901V.
Identifiers: ClinVar variation 3640227 (VCV003640227.2).